The following is an entry in ClinVar:

NM_001184.4(ATR):c.2284G>A (p.Val762Ile)

Gene: ATR (ATR checkpoint kinase; minus strand). Cytogenetic location: 3q23.
Variant type: single nucleotide variant.
Coding change: c.2284G>A on transcript NM_001184.4 (MANE Select); coding-DNA position 2284, G replaced by A.
Protein change: p.Val762Ile; replaces valine 762 with isoleucine.
Molecular consequence: missense variant.
Genome position (GRCh38, 1-based): chr3:142,555,934, C>T on the plus strand (G>A on the coding strand, the complement: ATR is on the minus strand). VCF-style: chr3-142555934-C-T. GRCh37 (hg19) VCF-style: chr3-142274776-C-T.
Other names: c.2092G>A, p.Val698Ile (NM_001354579.2); short protein forms V698I, V762I.
Identifiers: ClinVar variation 940163 (VCV000940163.9), dbSNP rs1036040776, ClinGen allele CA84748215.

ClinVar aggregate classification (germline): Uncertain significance (1 of 4 stars; one submission).

Allele frequency attached by ClinVar (database versions not stated): gnomAD exomes below 0.00001; gnomAD 0.00003 and 0.00004; TOPMed 0.00007.
gnomAD v4.1: 10 of 1,612,474 alleles (0.00062%); highest among the groups gnomAD compares: Admixed American, 0.01%; no homozygotes.

Submission:

Labcorp Genetics (formerly Invitae), Labcorp
Classification: Uncertain significance. Last evaluated: 2024-10-17. Review status: criteria provided, single submitter. Criteria: Invitae Variant Classification Sherloc (09022015). Collection method: clinical testing. Allele origin: germline.
Comment: This sequence change replaces valine, which is neutral and non-polar, with isoleucine, which is neutral and non-polar, at codon 762 of the ATR protein (p.Val762Ile). This variant is present in population databases (no rsID available, gnomAD 0.003%). This variant has not been reported in the literature in individuals affected with ATR-related conditions. ClinVar contains an entry for this variant (Variation ID: 940163). An algorithm developed to predict the effect of missense changes on protein structure and function outputs the following: PolyPhen-2: "Benign". The isoleucine amino acid residue is found in multiple mammalian species, which suggests that this missense change does not adversely affect protein function. In summary, the available evidence is currently insufficient to determine the role of this variant in disease. Therefore, it has been classified as a Variant of Uncertain Significance.